The following is an entry in ClinVar:

NM_001376.5(DYNC1H1):c.3348G>T (p.Val1116=)

Gene: DYNC1H1 (dynein cytoplasmic 1 heavy chain 1; plus strand). Cytogenetic location: 14q32.31.
Variant type: single nucleotide variant.
Coding change: c.3348G>T on transcript NM_001376.5 (MANE Select); coding-DNA position 3348, G replaced by T.
Protein change: p.Val1116=; no amino-acid change (valine 1116 retained).
Molecular consequence: synonymous variant.
Genome position (GRCh38, 1-based): chr14:101,995,000, G>T. VCF-style: chr14-101995000-G-T. GRCh37 (hg19) VCF-style: chr14-102461337-G-T.
Identifiers: ClinVar variation 4704778 (VCV004704778.1).

ClinVar aggregate classification (germline): Uncertain significance (1 of 4 stars; one submission).

Conditions:
Charcot-Marie-Tooth disease axonal type 2O. Also called: CHARCOT-MARIE-TOOTH NEUROPATHY, AXONAL, TYPE 2O; CHARCOT-MARIE-TOOTH DISEASE, AXONAL, AUTOSOMAL DOMINANT, TYPE 2O; Charcot-Marie-Tooth Neuropathy Type 2O; Charcot-Marie-Tooth disease, axonal, type 20. Identifiers: Orphanet 284232, MedGen C3280220, MONDO:0013644, OMIM 614228.

Submission:

Labcorp Genetics (formerly Invitae), Labcorp
Classification: Uncertain significance for Charcot-Marie-Tooth disease axonal type 2O. Last evaluated: 2025-11-06. Review status: criteria provided, single submitter. Criteria: Invitae Variant Classification Sherloc (09022015). Collection method: clinical testing. Allele origin: germline.
Comment: This sequence change affects codon 1116 of the DYNC1H1 mRNA. It is a 'silent' change, meaning that it does not change the encoded amino acid sequence of the DYNC1H1 protein. This variant is not present in population databases (gnomAD no frequency). This variant has not been reported in the literature in individuals affected with DYNC1H1-related conditions. Algorithms developed to predict the effect of sequence changes on RNA splicing suggest that this variant may disrupt the consensus splice site. In summary, the available evidence is currently insufficient to determine the role of this variant in disease. Therefore, it has been classified as a Variant of Uncertain Significance.